The following is an entry in ClinVar:

ClinVar aggregate classification (germline): Conflicting classifications of pathogenicity. Review status: criteria provided, conflicting classifications (1 of 4 stars). 4 submissions from 4 submitters: Likely pathogenic (1); Uncertain significance (2). 1 of the submissions does not count toward it. Last evaluated 2024-05-13.

Conditions:
Joubert syndrome. Also called: Familial aplasia of the vermis; CEREBELLOPARENCHYMAL DISORDER IV; JOUBERT-BOLTSHAUSER SYNDROME. Identifiers: Orphanet 475, MedGen C5979921, MONDO:0018772.
Joubert syndrome 3 (JBTS3). Also called: AHI1-related Ciliopathy. Identifiers: Orphanet 220493, MedGen C1837713, MONDO:0012078, OMIM 608629.

Allele frequency attached by ClinVar (database versions not stated): gnomAD 0.00001; TOPMed 0.00002.
gnomAD v4.1: 50 of 1,604,142 alleles (0.0031%); highest among the groups gnomAD compares: Non-Finnish European, 0.0042%; no homozygotes.

Submissions (4):

Fulgent Genetics
Classification: Uncertain significance for Joubert syndrome 3. Last evaluated: 2024-05-13. Review status: criteria provided, single submitter. Criteria: ACMG Guidelines, 2015. Collection method: clinical testing. Allele origin: germline.

GeneDx
Classification: Likely pathogenic. Last evaluated: 2024-04-25. Review status: criteria provided, single submitter. Criteria: GeneDx Variant Classification Process June 2021. Collection method: clinical testing. Allele origin: germline. Affected: yes.
Comment: Alters the last nucleotide of the exon and is predicted to destroy the splice donor site and result in aberrant splicing, although in the absence of functional evidence the actual effect of this sequence change is unknown; Not observed at significant frequency in large population cohorts (gnomAD); Has not been previously published as pathogenic or benign to our knowledge; This variant is associated with the following publications: (PMID: 15467982)

Labcorp Genetics (formerly Invitae), Labcorp
Classification: Uncertain significance for Joubert syndrome. Last evaluated: 2022-10-03. Review status: criteria provided, single submitter. Criteria: Invitae Variant Classification Sherloc (09022015). Collection method: clinical testing. Allele origin: germline.
Comment: This sequence change replaces glycine, which is neutral and non-polar, with cysteine, which is neutral and slightly polar, at codon 756 of the AHI1 protein (p.Gly756Cys). This variant also falls at the last nucleotide of exon 15, which is part of the consensus splice site for this exon. This variant is present in population databases (rs376754552, gnomAD 0.002%). This variant has not been reported in the literature in individuals affected with AHI1-related conditions. ClinVar contains an entry for this variant (Variation ID: 975477). Algorithms developed to predict the effect of missense changes on protein structure and function are either unavailable or do not agree on the potential impact of this missense change (SIFT: "Deleterious"; PolyPhen-2: "Probably Damaging"; Align-GVGD: "Class C0"). Variants that disrupt the consensus splice site are a relatively common cause of aberrant splicing (PMID: 17576681, 9536098). Algorithms developed to predict the effect of sequence changes on RNA splicing suggest that this variant may disrupt the consensus splice site. In summary, the available evidence is currently insufficient to determine the role of this variant in disease. Therefore, it has been classified as a Variant of Uncertain Significance.

Centre de Biologie Pathologie Génétique, Centre Hospitalier Universitaire de Lille
Classification: Likely pathogenic for Joubert syndrome 3. Last evaluated: 2019-01-01. Review status: no assertion criteria provided. Collection method: clinical testing. Allele origin: inherited. Affected: yes. Not counted in ClinVar's aggregate classification.

Literature cited by the submitters: PubMed 17576681 (cited by Labcorp Genetics (formerly Invitae), Labcorp); PubMed 9536098 (cited by Labcorp Genetics (formerly Invitae), Labcorp).

NM_001134831.2(AHI1):c.2266G>T (p.Gly756Cys)

Gene: AHI1 (Abelson helper integration site 1; minus strand). Cytogenetic location: 6q23.3.
Variant type: single nucleotide variant.
Coding change: c.2266G>T on transcript NM_001134831.2 (MANE Select); coding-DNA position 2266, G replaced by T.
Protein change: p.Gly756Cys; replaces glycine 756 with cysteine.
Molecular consequence: missense variant.
Genome position (GRCh38, 1-based): chr6:135,433,027, C>A on the plus strand (G>T on the coding strand, the complement: AHI1 is on the minus strand). VCF-style: chr6-135433027-C-A. GRCh37 (hg19) VCF-style: chr6-135754165-C-A.
Other names: c.2266G>T (NM_017651.4); c.2266G>T, p.Gly756Cys (NM_001134830.2, NM_001134832.2, NM_001350503.2 and 2 more transcripts); short protein forms G756C.
Identifiers: ClinVar variation 975477 (VCV000975477.5), dbSNP rs376754552, ClinGen allele CA4012414.